The following is an entry in ClinVar:

NM_000257.4(MYH7):c.2124C>G (p.Gly708=)

Gene: MYH7 (myosin heavy chain 7; minus strand). Cytogenetic location: 14q11.2.
Variant type: single nucleotide variant.
Coding change: c.2124C>G on transcript NM_000257.4 (MANE Select); coding-DNA position 2124, C replaced by G.
Protein change: p.Gly708=; no amino-acid change (glycine 708 retained).
Molecular consequence: synonymous variant.
Genome position (GRCh38, 1-based): chr14:23,426,002, G>C on the plus strand (C>G on the coding strand, the complement: MYH7 is on the minus strand). VCF-style: chr14-23426002-G-C. GRCh37 (hg19) VCF-style: chr14-23895211-G-C.
Other names: c.2124C>G, p.Gly708= (NM_001407004.1).
Identifiers: ClinVar variation 3069470 (VCV003069470.1), dbSNP rs2502289550, ClinGen allele CA485766868.

ClinVar aggregate classification (germline): Likely benign (1 of 4 stars; one submission).

Conditions:
Cardiomyopathy (CMYO). Also called: Cardiomyopathies. Identifiers: Orphanet 167848, MedGen C0878544, MONDO:0004994, HP:0001638. Inheritance: Various modes of inheritance.

Submission:

All of Us Research Program, National Institutes of Health
Classification: Likely benign for Cardiomyopathy. Last evaluated: 2023-09-04. Review status: criteria provided, single submitter. Criteria: ACMG Guidelines, 2015. Collection method: clinical testing. Allele origin: germline. Inheritance: Autosomal dominant inheritance. Observed: 2 variant alleles, 2 heterozygotes.
Comment: This study involves interpretation of variants in research participants for the purpose of population health screening. Participant phenotype was not available at the time of variant classification. Additional details can be found in publication PMID: 35346344, PMCID: PMC8962531